The following is an entry in ClinVar:

NM_000535.7(PMS2):c.1356del (p.Met453fs)

Gene: PMS2 (PMS1 homolog 2, mismatch repair system component; minus strand). Cytogenetic location: 7p22.1.
Variant type: Deletion.
Coding change: c.1356del on transcript NM_000535.7 (MANE Select); coding-DNA position 1356, one base deleted (T; older notation c.1356delT).
Protein change: p.Met453fs; shifts the reading frame from methionine 453.
Molecular consequence: frameshift variant. On other transcripts: non-coding transcript variant (1).
Genome position (GRCh38, 1-based): chr7:5,987,409, A deleted on the plus strand (T on the coding strand, the reverse complement: PMS2 is on the minus strand). VCF-style (leftmost placement, unchanged base first): chr7-5987408-TA-T. GRCh37 (hg19) VCF-style: chr7-6027039-TA-T.
Other names: c.951del, p.Met318fs (NM_001322003.2, NM_001322004.2, NM_001322005.2 and 1 more transcripts); c.1200del, p.Met401fs (NM_001322006.2); c.1038del, p.Met347fs (NM_001322007.2, NM_001322008.2); c.795del, p.Met266fs (NM_001322010.2); c.423del, p.Met142fs (NM_001322011.2, NM_001322012.2); c.783del, p.Met262fs (NM_001322013.2); c.1356del, p.Met453fs (NM_001322014.2); c.1047del, p.Met350fs (NM_001322015.2); short protein forms M401fs, M453fs, M350fs, M262fs, M142fs, M266fs, M318fs, M347fs.
Identifiers: ClinVar variation 938000 (VCV000938000.9), dbSNP rs1783123619, ClinGen allele CA1139659559.

ClinVar aggregate classification (germline): Pathogenic/Likely pathogenic. Review status: criteria provided, multiple submitters, no conflicts (2 of 4 stars). 2 submissions from 2 submitters: Pathogenic (1); Likely pathogenic (1). Last evaluated 2025-06-02.

Conditions:
Hereditary nonpolyposis colorectal neoplasms. Identifiers: MedGen C0009405, MeSH D003123.

Submissions (2):

Dasa
Classification: Likely pathogenic. Last evaluated: 2025-06-02. Review status: criteria provided, single submitter. Criteria: DASA Assertion Criteria. Collection method: clinical testing. Allele origin: germline.
Comment: NM_000535.7(PMS2):c.1356del (p.Met453Cysfs*16) is a frameshift variant in PMS2 predicted to alter the reading frame and introduce a premature termination codon and is predicted to result in an absent or altered protein product. Loss of function is an established disease mechanism for PMS2 (PMID: 18602922; PMID: 16619239). Also, this variant is absent from population databases. Based on the currently available evidence, this variant is classified as likely pathogenic.

Labcorp Genetics (formerly Invitae), Labcorp
Classification: Pathogenic for Hereditary nonpolyposis colorectal neoplasms. Last evaluated: 2019-09-13. Review status: criteria provided, single submitter. Criteria: Invitae Variant Classification Sherloc (09022015). Collection method: clinical testing. Allele origin: germline.
Comment: Loss-of-function variants in PMS2 are known to be pathogenic (PMID: 21376568, 24362816). For these reasons, this variant has been classified as Pathogenic. This variant has not been reported in the literature in individuals with PMS2-related conditions. This variant is not present in population databases (ExAC no frequency). This sequence change creates a premature translational stop signal (p.Met453Cysfs*16) in the PMS2 gene. It is expected to result in an absent or disrupted protein product.

Literature cited by the submitters: PubMed 18602922 (cited by Dasa); PubMed 16619239 (cited by Dasa); PubMed 21376568 (cited by Labcorp Genetics (formerly Invitae), Labcorp); PubMed 24362816 (cited by Labcorp Genetics (formerly Invitae), Labcorp).